The following is an entry in ClinVar:

NM_005633.4(SOS1):c.2964+17A>G

Gene: SOS1 (SOS Ras/Rac guanine nucleotide exchange factor 1; minus strand). Cytogenetic location: 2p22.1.
Variant type: single nucleotide variant.
Coding change: c.2964+17A>G on transcript NM_005633.4 (MANE Select); 17 bases into the intron after coding-DNA position 2964, A replaced by G.
Molecular consequence: intron variant.
Genome position (GRCh38, 1-based): chr2:38,997,236, T>C on the plus strand (A>G on the coding strand, the complement: SOS1 is on the minus strand). VCF-style: chr2-38997236-T-C. GRCh37 (hg19) VCF-style: chr2-39224377-T-C.
Other names: c.2943+17A>G (NM_001382394.1); c.2964+17A>G (NM_001382395.1).
Identifiers: ClinVar variation 378635 (VCV000378635.12), dbSNP rs201906525, ClinGen allele CA1624299.

ClinVar aggregate classification (germline): Benign/Likely benign. Review status: criteria provided, multiple submitters, no conflicts (2 of 4 stars). 6 submissions from 5 submitters: Benign (5); Likely benign (1). Last evaluated 2026-02-01.

Conditions:
RASopathy. Also called: rasopathies; Noonan spectrum disorder. Identifiers: Orphanet 536391, MedGen C5555857, MONDO:0021060.
Fibromatosis, gingival, 1 (GINGF1). Identifiers: Orphanet 2024, MedGen C4551558, MONDO:0007609, OMIM 135300.
Noonan syndrome 4 (NS4). Also called: SOS1-Related Noonan Syndrome; NOONAN SYNDROME WITH PIGMENTED VILLONODULAR SYNOVITIS. Identifiers: Orphanet 648, MedGen C1853120, MONDO:0012547, OMIM 610733.

Allele frequency attached by ClinVar (database versions not stated): gnomAD exomes 0.00008 and 0.00032; gnomAD 0.00018 and 0.00027; TOPMed 0.00019; ExAC 0.00030; 1000 Genomes Project 30x 0.00156; 1000 Genomes Project 0.00180.
gnomAD v4.1: 163 of 1,586,582 alleles (0.01%); highest among the groups gnomAD compares: East Asian, 0.22%; 1 homozygote.

Submissions (6):

Labcorp Genetics (formerly Invitae), Labcorp
Classification: Benign for RASopathy. Last evaluated: 2026-02-01. Review status: criteria provided, single submitter. Criteria: Invitae Variant Classification Sherloc (09022015). Collection method: clinical testing. Allele origin: germline.

Blueprint Genetics
Classification: Likely benign. Last evaluated: 2024-08-30. Review status: criteria provided, single submitter. Criteria: ACMG Guidelines, 2015. Collection method: clinical testing. Allele origin: germline.

Women's Health and Genetics/Laboratory Corporation of America, LabCorp
Classification: Benign. Last evaluated: 2020-03-23. Review status: criteria provided, single submitter. Criteria: LabCorp Variant Classification Summary - May 2015. Collection method: clinical testing. Allele origin: germline.
Comment: Variant summary: SOS1 c.2964+17A>G alters a non-conserved nucleotide located close to a canonical splice site and therefore could affect mRNA splicing, leading to a significantly altered protein sequence. 4/4 computational tools predict no significant impact on normal splicing. However, these predictions have yet to be confirmed by functional studies. The variant allele was found at a frequency of 0.00032 in 250042 control chromosomes, predominantly at a frequency of 0.0035 within the East Asian subpopulation in the gnomAD database. The observed variant frequency within East Asian control individuals in the gnomAD database is significantly above the estimated maximal expected allele frequency for a pathogenic variant in SOS1 causing Noonan Syndrome and Related Conditions phenotype (3e-05), strongly suggesting that the variant is a benign polymorphism found primarily in populations of East Asian origin. To our knowledge, no occurrence of c.2964+17A>G in individuals affected with Noonan Syndrome and Related Conditions and no experimental evidence demonstrating its impact on protein function have been reported. One clinical diagnostic laboratory has submitted clinical-significance assessments for this variant to ClinVar after 2014 without evidence for independent evaluation. One laboratory classified the variant as benign. Based on the evidence outlined above, the variant was classified as benign.

GeneDx
Classification: Benign. Last evaluated: 2015-05-01. Review status: criteria provided, single submitter. Criteria: GeneDx Variant Classification (06012015). Collection method: clinical testing. Allele origin: germline. Affected: yes.
Comment: This variant is considered likely benign or benign based on one or more of the following criteria: it is a conservative change, it occurs at a poorly conserved position in the protein, it is predicted to be benign by multiple in silico algorithms, and/or has population frequency not consistent with disease.

Genome-Nilou Lab
Classification: Benign for Noonan syndrome 4. Review status: criteria provided, single submitter. Criteria: ACMG Guidelines, 2015. Collection method: clinical testing. Allele origin: germline.

Genome-Nilou Lab
Classification: Benign for Fibromatosis, gingival, 1. Review status: criteria provided, single submitter. Criteria: ACMG Guidelines, 2015. Collection method: clinical testing. Allele origin: germline.